The following is an entry in ClinVar:

ClinVar aggregate classification (germline): Conflicting classifications of pathogenicity. Review status: criteria provided, conflicting classifications (1 of 4 stars). 5 submissions from 5 submitters: Likely pathogenic (1); Uncertain significance (3); Benign (1). Last evaluated 2025-07-14.

Conditions:
Isolated focal cortical dysplasia type II (FCORD2). Also called: Focal cortical dysplasia type II; CORTICAL DYSPLASIA OF TAYLOR. Identifiers: Orphanet 268994, MedGen C1846385, MONDO:0011818, OMIM 607341, HP:0032051.
Tuberous sclerosis 2 (TSC2). Identifiers: Orphanet 805, MedGen C1860707, MONDO:0013199, OMIM 613254.
Lymphangiomyomatosis (LAM). Also called: Lymphangioleiomyomatosis, somatic; Lymphangioleiomyomatosis. Identifiers: Orphanet 538, MedGen C0751674, MONDO:0011705, OMIM 606690.
Hereditary cancer-predisposing syndrome. Also called: Neoplastic Syndromes, Hereditary; Hereditary neoplastic syndrome; Hereditary Cancer Syndrome; Tumor predisposition. Identifiers: Orphanet 140162, MedGen C0027672, MeSH D009386, MONDO:0015356.
Ovarian cancer. Also called: OVARIAN CANCER, SOMATIC. Identifiers: Orphanet 213500, MedGen C1140680, MONDO:0008170, OMIM 167000.
Tuberous sclerosis syndrome (TSC). Also called: Tuberous Sclerosis Complex; Tuberous sclerosis. Identifiers: Orphanet 805, MedGen C0041341, MONDO:0001734.

Allele frequency attached by ClinVar (database versions not stated): gnomAD exomes below 0.00001 and 0.00001.

Submissions (5):

Labcorp Genetics (formerly Invitae), Labcorp
Classification: Benign for Tuberous sclerosis 2. Last evaluated: 2025-07-14. Review status: criteria provided, single submitter. Criteria: Invitae Variant Classification Sherloc (09022015). Collection method: clinical testing. Allele origin: germline.

Ambry Genetics
Classification: Uncertain significance for Hereditary cancer-predisposing syndrome. Last evaluated: 2025-05-23. Review status: criteria provided, single submitter. Criteria: Ambry Variant Classification Scheme 2023. Collection method: clinical testing. Allele origin: germline.
Comment: The p.T1572M variant (also known as c.4715C>T), located in coding exon 36 of the TSC2 gene, results from a C to T substitution at nucleotide position 4715. The threonine at codon 1572 is replaced by methionine, an amino acid with similar properties. This amino acid position is conserved. In addition, this alteration is predicted to be deleterious by in silico analysis. Since supporting evidence is limited at this time, the clinical significance of this alteration remains unclear.

All of Us Research Program, National Institutes of Health
Classification: Uncertain significance for Tuberous sclerosis syndrome. Last evaluated: 2023-07-07. Review status: criteria provided, single submitter. Criteria: ACMG Guidelines, 2015. Collection method: clinical testing. Allele origin: germline. Inheritance: Autosomal dominant inheritance. Observed: 1 variant allele, 1 heterozygote.
Comment: This study involves interpretation of variants in research participants for the purpose of population health screening. Participant phenotype was not available at the time of variant classification. Additional details can be found in publication PMID: 35346344, PMCID: PMC8962531

Fulgent Genetics
Classification: Uncertain significance for Lymphangiomyomatosis; Isolated focal cortical dysplasia type II; Tuberous sclerosis 2. Last evaluated: 2022-02-16. Review status: criteria provided, single submitter. Criteria: ACMG Guidelines, 2015. Collection method: clinical testing. Allele origin: unknown.

Laboratory of Molecular Epidemiology of Birth Defects, West China Second University Hospital, Sichuan University
Classification: Likely pathogenic for Ovarian cancer. Last evaluated: 2022-01-01. Review status: criteria provided, single submitter. Criteria: ACMG Guidelines, 2015. Collection method: clinical testing. Allele origin: germline. Affected: yes.

NM_000548.5(TSC2):c.4715C>T (p.Thr1572Met)

Gene: TSC2 (TSC complex subunit 2; plus strand). Cytogenetic location: 16p13.3.
Variant type: single nucleotide variant.
Coding change: c.4715C>T on transcript NM_000548.5 (MANE Select); coding-DNA position 4715, C replaced by T.
Protein change: p.Thr1572Met; replaces threonine 1572 with methionine.
Molecular consequence: missense variant.
Genome position (GRCh38, 1-based): chr16:2,086,245, C>T. VCF-style: chr16-2086245-C-T. GRCh37 (hg19) VCF-style: chr16-2136246-C-T.
Other names: c.4514C>T, p.Thr1505Met (NM_001077183.3); c.4646C>T, p.Thr1549Met (NM_001114382.3); c.4406C>T, p.Thr1469Met (NM_001318827.2); c.4370C>T, p.Thr1457Met (NM_001318829.2); c.3983C>T, p.Thr1328Met (NM_001318831.2); c.4547C>T, p.Thr1516Met (NM_001318832.2); c.4517C>T, p.Thr1506Met (NM_001363528.2); c.4583C>T, p.Thr1528Met (NM_001370404.1); and 2 more; short protein forms T1328M, T1505M, T1529M, T1528M, T1457M, T1516M, T1572M, T1469M.
Identifiers: ClinVar variation 948097 (VCV000948097.14), dbSNP rs1327099376, ClinGen allele CA394307430.
Genomic context (GRCh38, chr16:2,086,245, plus strand): 5'-CCCCACAGAGCAACAGCGAGCTCGCCATCCTGTCCAATGAGCATGGCTCCTACAGGTACA[C>T]GGAGTTCCTGACGGGCCTGGGCCGGCTCATCGAGCTGAAGGACTGCCAGCCGGACAAGGT-3'
Protein context (NP_000539.2, residues 1562-1582): LSNEHGSYRY[Thr1572Met]EFLTGLGRLI